The following is an entry in ClinVar:

ClinVar aggregate classification (germline): Uncertain significance (1 of 4 stars; one submission).

Conditions:
Early-infantile DEE. Also called: Ohtahara syndrome; Early infantile epileptic encephalopathy; Early infantile epileptic encephalopathy with suppression bursts. Identifiers: Orphanet 1934, MedGen C0393706, MONDO:0800491.

gnomAD v4.1: 2 of 1,556,060 alleles (0.00013%); highest among the groups gnomAD compares: South Asian, 0.0024%; no homozygotes.

Submission:

Labcorp Genetics (formerly Invitae), Labcorp
Classification: Uncertain significance for Early-infantile DEE. Last evaluated: 2022-12-16. Review status: criteria provided, single submitter. Criteria: Invitae Variant Classification Sherloc (09022015). Collection method: clinical testing. Allele origin: germline.
Comment: This sequence change replaces proline, which is neutral and non-polar, with glutamine, which is neutral and polar, at codon 411 of the KCNQ2 protein (p.Pro411Gln). In summary, the available evidence is currently insufficient to determine the role of this variant in disease. Therefore, it has been classified as a Variant of Uncertain Significance. Algorithms developed to predict the effect of missense changes on protein structure and function are either unavailable or do not agree on the potential impact of this missense change (SIFT: "Tolerated"; PolyPhen-2: "Possibly Damaging"; Align-GVGD: "Class C0"). ClinVar contains an entry for this variant (Variation ID: 1025896). This variant has not been reported in the literature in individuals affected with KCNQ2-related conditions. This variant is not present in population databases (gnomAD no frequency).

NM_172107.4(KCNQ2):c.1232C>A (p.Pro411Gln)

Gene: KCNQ2 (potassium voltage-gated channel subfamily Q member 2; minus strand). Cytogenetic location: 20q13.33.
Variant type: single nucleotide variant.
Coding change: c.1232C>A on transcript NM_172107.4 (MANE Select); coding-DNA position 1232, C replaced by A.
Protein change: p.Pro411Gln; replaces proline 411 with glutamine.
Molecular consequence: missense variant.
Genome position (GRCh38, 1-based): chr20:63,424,192, G>T on the plus strand (C>A on the coding strand, the complement: KCNQ2 is on the minus strand). VCF-style: chr20-63424192-G-T. GRCh37 (hg19) VCF-style: chr20-62055545-G-T.
Other names: c.1232C>A, p.Pro411Gln (NM_001382235.1, NM_172106.3, NM_172108.5); c.1202C>A, p.Pro401Gln (NM_004518.6); short protein forms P401Q, P411Q.
Identifiers: ClinVar variation 1025896 (VCV001025896.9), dbSNP rs754682495, ClinGen allele CA409649203.